The following is an entry in ClinVar:

NC_000023.10:g.(?_77084697)_(77268629_?)del

Genes: ATP7A (ATPase copper transporting alpha; plus strand), COX7B (cytochrome c oxidase subunit 7B; plus strand), MAGT1 (magnesium transporter 1; minus strand), PGAM4 (phosphoglycerate mutase family member 4; minus strand). Cytogenetic location: Xq21.1.
Variant type: Deletion.
Identifiers: ClinVar variation 2427018 (VCV002427018.3).

ClinVar aggregate classification (germline): Pathogenic (1 of 4 stars; one submission).

Conditions:
X-linked immunodeficiency with magnesium defect, Epstein-Barr virus infection and neoplasia. Identifiers: Orphanet 317476, MedGen C3275445, MONDO:0010455, OMIM 300853.

Submission:

Labcorp Genetics (formerly Invitae), Labcorp
Classification: Pathogenic for X-linked immunodeficiency with magnesium defect, Epstein-Barr virus infection and neoplasia. Last evaluated: 2020-07-17. Review status: criteria provided, single submitter. Criteria: Invitae Variant Classification Sherloc (09022015). Collection method: clinical testing. Allele origin: germline.
Comment: A gross deletion of the genomic region encompassing the full coding sequence of the MAGT1 gene has been identified. The boundaries of this event are unknown as the deletion extends beyond the assayed region for this gene and therefore may encompass additional genes. This variant has not been reported in the literature in individuals with MAGT1-related conditions. Loss-of-function variants in MAGT1 are known to be pathogenic (PMID: 24550228). For these reasons, this variant has been classified as Pathogenic.

Literature cited by the submitters: PubMed 24550228.